The following is an entry in ClinVar:

ClinVar aggregate classification (germline): Uncertain significance (1 of 4 stars; one submission).

Submission:

GeneDx
Classification: Uncertain significance. Last evaluated: 2021-06-07. Review status: criteria provided, single submitter. Criteria: GeneDx Variant Classification Process June 2021. Collection method: clinical testing. Allele origin: germline. Affected: yes.
Comment: Not observed at significant frequency in large population cohorts (Lek et al., 2016); The majority of missense variants in this gene are considered pathogenic; In silico analysis supports that this missense variant has a deleterious effect on protein structure/function; Has not been previously published as pathogenic or benign to our knowledge; This variant is associated with the following publications: (PMID: 27535533, 29493581)

NM_005633.4(SOS1):c.369C>G (p.Asp123Glu)

Gene: SOS1 (SOS Ras/Rac guanine nucleotide exchange factor 1; minus strand). Cytogenetic location: 2p22.1.
Variant type: single nucleotide variant.
Coding change: c.369C>G on transcript NM_005633.4 (MANE Select); coding-DNA position 369, C replaced by G.
Protein change: p.Asp123Glu; replaces aspartic acid 123 with glutamic acid.
Molecular consequence: missense variant.
Genome position (GRCh38, 1-based): chr2:39,056,843, G>C on the plus strand (C>G on the coding strand, the complement: SOS1 is on the minus strand). VCF-style: chr2-39056843-G-C. GRCh37 (hg19) VCF-style: chr2-39283984-G-C.
Other names: c.348C>G, p.Asp116Glu (NM_001382394.1); c.369C>G, p.Asp123Glu (NM_001382395.1); short protein forms D116E, D123E.
Identifiers: ClinVar variation 1203534 (VCV001203534.3), dbSNP rs1444978665, ClinGen allele CA346373706.
Genomic context (GRCh38, chr2:39,056,843, plus strand): 5'-CTTTAAAATGTCTGCAGAAATGTATTCTAAGACTGCTACTATGTAAACAGAAACCTGGTG[G>C]TCAATTTTATAACCTAGGACCTCCTGCAAAATTAAAAGAAAAGCATGTTTAAACATCATA-3'
Protein context (NP_005624.2, residues 113-133): LLKEVLGYKI[Asp123Glu]HQVSVYIVAV